The following is an entry in ClinVar:

NM_002103.5(GYS1):c.118+3_118+4delinsAG

Genes: GYS1 (glycogen synthase 1; minus strand), LOC130064895 (ATAC-STARR-seq lymphoblastoid active region 14922; plus strand). Cytogenetic location: 19q13.33.
Variant type: Indel.
Coding change: c.118+3_118+4delinsAG on transcript NM_002103.5 (MANE Select); bases 3 to 4 of the intron after coding-DNA position 118, GA replaced by AG.
Molecular consequence: intron variant.
Genome position (GRCh38, 1-based): chr19:48,992,991-48,992,992, TC replaced by CT on the plus strand (GA replaced by AG on the coding strand, the reverse complement: GYS1 is on the minus strand). VCF-style: chr19-48992991-TC-CT. GRCh37 (hg19) VCF-style: chr19-49496248-TC-CT.
Other names: c.118+3_118+4delinsAG (NM_001161587.2).
Identifiers: ClinVar variation 1956302 (VCV001956302.5), dbSNP rs2513741833, ClinGen allele CA2580097511.
Genomic context (GRCh38, chr19:48,992,991, plus strand): 5'-GAGTTCCGGGCCCCCATCCACTACTGTCCTTCTCGTCAAGGGCCCCGACGCCTGGCGTGC[TC>CT]ACCCTTGTTAGCCACCTCCCAGGCCACTTCGAAGAGCACTGCGTTCTCCAGGTCGAATTC-3'

ClinVar aggregate classification (germline): Uncertain significance (1 of 4 stars; one submission).

Conditions:
Glycogen storage disease due to muscle and heart glycogen synthase deficiency. Also called: GSD 0b; MUSCLE GLYCOGEN SYNTHASE DEFICIENCY. Identifiers: Orphanet 137625, MedGen C1969054, MONDO:0012693, OMIM 611556.

Submission:

Labcorp Genetics (formerly Invitae), Labcorp
Classification: Uncertain significance for Glycogen storage disease due to muscle and heart glycogen synthase deficiency. Last evaluated: 2022-02-08. Review status: criteria provided, single submitter. Criteria: Invitae Variant Classification Sherloc (09022015). Collection method: clinical testing. Allele origin: germline.
Comment: This sequence change falls in intron 1 of the GYS1 gene. It does not directly change the encoded amino acid sequence of the GYS1 protein. It affects a nucleotide within the consensus splice site. Information on the frequency of this variant in the gnomAD database is not available, as this variant may be reported differently in the database. This variant has not been reported in the literature in individuals affected with GYS1-related conditions. Variants that disrupt the consensus splice site are a relatively common cause of aberrant splicing (PMID: 17576681, 9536098). Algorithms developed to predict the effect of sequence changes on RNA splicing suggest that this variant is not likely to affect RNA splicing. In summary, the available evidence is currently insufficient to determine the role of this variant in disease. Therefore, it has been classified as a Variant of Uncertain Significance.

Literature cited by the submitters: PubMed 17576681; PubMed 9536098.